The following is an entry in ClinVar:

NM_000447.3(PSEN2):c.89C>T (p.Ser30Phe)

Gene: PSEN2 (presenilin 2; plus strand). Cytogenetic location: 1q42.13.
Variant type: single nucleotide variant.
Coding change: c.89C>T on transcript NM_000447.3 (MANE Select); coding-DNA position 89, C replaced by T.
Protein change: p.Ser30Phe; replaces serine 30 with phenylalanine.
Molecular consequence: missense variant.
Genome position (GRCh38, 1-based): chr1:226,881,996, C>T. VCF-style: chr1-226881996-C-T. GRCh37 (hg19) VCF-style: chr1-227069697-C-T.
Other names: c.89C>T, p.Ser30Phe (NM_012486.3); short protein forms S30F.
Identifiers: ClinVar variation 586387 (VCV000586387.3), dbSNP rs200037771, ClinGen allele CA1424389.

ClinVar aggregate classification (germline): Uncertain significance. Review status: criteria provided, multiple submitters, no conflicts (2 of 4 stars). 2 submissions from 2 submitters: Uncertain significance (2). Last evaluated 2025-05-08.

Conditions:
PSEN2-related disorder. Also called: PSEN2-related condition.

Allele frequency attached by ClinVar (database versions not stated): ExAC 0.00001; gnomAD 0.00001; gnomAD exomes 0.00001; TOPMed 0.00002.
gnomAD v4.1: 19 of 1,613,962 alleles (0.0012%); highest among the groups gnomAD compares: Non-Finnish European, 0.0015%; no homozygotes.

Submissions (2):

PreventionGenetics, part of Exact Sciences
Classification: Uncertain significance for PSEN2-related condition. Last evaluated: 2025-05-08. Review status: criteria provided, single submitter. Criteria: ACMG Guidelines, 2015. Collection method: clinical testing. Allele origin: germline.
Comment: The PSEN2 c.89C>T variant is predicted to result in the amino acid substitution p.Ser30Phe. To our knowledge, this variant has not been reported in the literature. This variant is reported in 0.0031% of alleles in individuals of European (Non-Finnish) descent in gnomAD. At this time, the clinical significance of this variant is uncertain due to the absence of conclusive functional and genetic evidence.

Athena Diagnostics
Classification: Uncertain significance. Last evaluated: 2018-06-26. Review status: criteria provided, single submitter. Criteria: Athena Diagnostics Criteria. Collection method: clinical testing. Allele origin: germline.